The following is an entry in ClinVar:

NM_020795.4(NLGN2):c.865G>A (p.Ala289Thr)

Gene: NLGN2 (neuroligin 2; plus strand). Cytogenetic location: 17p13.1.
Variant type: single nucleotide variant.
Coding change: c.865G>A on transcript NM_020795.4 (MANE Select); coding-DNA position 865, G replaced by A.
Protein change: p.Ala289Thr; replaces alanine 289 with threonine.
Molecular consequence: missense variant.
Genome position (GRCh38, 1-based): chr17:7,414,976, G>A. VCF-style: chr17-7414976-G-A. GRCh37 (hg19) VCF-style: chr17-7318295-G-A.
Other names: short protein forms A289T.
Identifiers: ClinVar variation 1712832 (VCV001712832.3), dbSNP rs1374180439, ClinGen allele CA397822435.

ClinVar aggregate classification (germline): Uncertain significance (1 of 4 stars; one submission).

Allele frequency attached by ClinVar (database versions not stated): gnomAD exomes 0.00001.
gnomAD v4.1: 8 of 1,612,296 alleles (0.0005%); highest among the groups gnomAD compares: African/African-American, 0.0013%; no homozygotes.

Submission:

GeneDx
Classification: Uncertain significance. Last evaluated: 2025-11-18. Review status: criteria provided, single submitter. Criteria: GeneDx Variant Classification Process June 2021. Collection method: clinical testing. Allele origin: germline.
Comment: Not observed at significant frequency in large population cohorts (gnomAD); In silico analysis suggests that this missense variant does not alter protein structure/function; Has not been previously published as pathogenic or benign to our knowledge